The following is an entry in ClinVar:

NM_000053.4(ATP7B):c.3860G>A (p.Gly1287Asp)

Gene: ATP7B (ATPase copper transporting beta; minus strand). Cytogenetic location: 13q14.3.
Variant type: single nucleotide variant.
Coding change: c.3860G>A on transcript NM_000053.4 (MANE Select); coding-DNA position 3860, G replaced by A.
Protein change: p.Gly1287Asp; replaces glycine 1287 with aspartic acid.
Molecular consequence: missense variant.
Genome position (GRCh38, 1-based): chr13:51,937,519, C>T on the plus strand (G>A on the coding strand, the complement: ATP7B is on the minus strand). VCF-style: chr13-51937519-C-T. GRCh37 (hg19) VCF-style: chr13-52511655-C-T.
Other names: c.3239G>A, p.Gly1080Asp (NM_001005918.3); c.3527G>A, p.Gly1176Asp (NM_001243182.2); c.3626G>A, p.Gly1209Asp (NM_001330578.2); c.3608G>A, p.Gly1203Asp (NM_001330579.2); short protein forms G1080D, G1176D, G1203D, G1209D, G1287D.
Identifiers: ClinVar variation 1514202 (VCV001514202.5), dbSNP rs2138574727, ClinGen allele CA388021586.
Genomic context (GRCh38, chr13:51,937,519, plus strand): 5'-GCTGCAGCCACGCTCACTCTGATAAGGACGACGTCGGCTGCCTCGATGGCCACATCCGTG[C>T]CGGTGCCAATGGCCACACCCATGTCTGCCTGGGCCAAGGCCGGGGAGTCATTGACCCCAT-3'
Protein context (NP_000044.2, residues 1277-1297): QADMGVAIGT[Gly1287Asp]TDVAIEAADV

ClinVar aggregate classification (germline): Uncertain significance (1 of 4 stars; one submission).

Conditions:
Wilson disease (WND). Also called: Wilson's disease. Identifiers: Orphanet 905, MedGen C0019202, MONDO:0010200, OMIM 277900. Disease mechanism: loss of function.

Submission:

Labcorp Genetics (formerly Invitae), Labcorp
Classification: Uncertain significance for Wilson disease. Last evaluated: 2021-08-31. Review status: criteria provided, single submitter. Criteria: Invitae Variant Classification Sherloc (09022015). Collection method: clinical testing. Allele origin: germline.
Comment: This sequence change replaces glycine with aspartic acid at codon 1287 of the ATP7B protein (p.Gly1287Asp). The glycine residue is highly conserved and there is a moderate physicochemical difference between glycine and aspartic acid. This variant is not present in population databases (ExAC no frequency). This variant has not been reported in the literature in individuals affected with ATP7B-related conditions. Advanced modeling of protein sequence and biophysical properties (such as structural, functional, and spatial information, amino acid conservation, physicochemical variation, residue mobility, and thermodynamic stability) performed at Invitae indicates that this missense variant is expected to disrupt ATP7B protein function. In summary, the available evidence is currently insufficient to determine the role of this variant in disease. Therefore, it has been classified as a Variant of Uncertain Significance.